The following is an entry in ClinVar:

NM_001098671.2(RASGRP2):c.270dup (p.Asp91Ter)

Gene: RASGRP2 (RAS guanyl releasing protein 2; minus strand). Cytogenetic location: 11q13.1.
Variant type: Duplication.
Coding change: c.270dup on transcript NM_001098671.2 (MANE Select); coding-DNA position 270, one base duplicated (T; older notation c.270dupT).
Protein change: p.Asp91Ter; replaces aspartic acid 91 with a stop codon.
Molecular consequence: nonsense. On other transcripts: 5 prime UTR variant (1), frameshift variant (1).
Genome position (GRCh38, 1-based): chr11:64,741,049, A duplicated on the plus strand (T on the coding strand, the reverse complement: RASGRP2 is on the minus strand); the first of 3 consecutive A bases (chr11:64,741,049-64,741,051); duplicating any one gives the same sequence. VCF-style (leftmost placement, unchanged base first): chr11-64741048-C-CA. GRCh37 (hg19) VCF-style: chr11-64508520-C-CA.
Other names: c.270dup, p.Asp91Ter (NM_001098670.2); c.-166dup (NM_001318398.2); c.268dup, p.Asp91Terfs (NM_153819.2); short protein forms D91*.
Identifiers: ClinVar variation 2019503 (VCV002019503.4), dbSNP rs2496571415, ClinGen allele CA2580084401.
Genomic context (GRCh38, chr11:64,741,048, plus strand): 5'-CTTCTTGGTCTAGCAGAGCCTTCAGCTCCTTGATCTGCTCAGCCAACTCCGGGTTCAAGT[C>CA]AAACTCCGCTGGGAAGGCGGAGATCCAGTACCTGGAGGAGCGGGGAGTCACCCAAGATAG-3'

ClinVar aggregate classification (germline): Pathogenic (1 of 4 stars; one submission).

Submission:

Labcorp Genetics (formerly Invitae), Labcorp
Classification: Pathogenic. Last evaluated: 2022-07-24. Review status: criteria provided, single submitter. Criteria: Invitae Variant Classification Sherloc (09022015). Collection method: clinical testing. Allele origin: germline.
Comment: For these reasons, this variant has been classified as Pathogenic. This variant has not been reported in the literature in individuals affected with RASGRP2-related conditions. This variant is not present in population databases (gnomAD no frequency). This sequence change creates a premature translational stop signal (p.Asp91*) in the RASGRP2 gene. It is expected to result in an absent or disrupted protein product. Loss-of-function variants in RASGRP2 are known to be pathogenic (PMID: 27235135, 27663674).

Literature cited by the submitters: PubMed 27235135; PubMed 27663674.